The following is an entry in ClinVar:

NM_005682.7(ADGRG1):c.-154+8A>T

Gene: ADGRG1 (adhesion G protein-coupled receptor G1; plus strand). Cytogenetic location: 16q21.
Variant type: single nucleotide variant.
Coding change: c.-154+8A>T on transcript NM_005682.7; 8 bases into the intron after 154 bases upstream of the start codon, A replaced by T.
Molecular consequence: intron variant.
Genome position (GRCh38, 1-based): chr16:57,620,144, A>T. VCF-style: chr16-57620144-A-T. GRCh37 (hg19) VCF-style: chr16-57654056-A-T.
Other names: c.-154+8A>T (NM_001370434.1, NM_001370442.1, NM_001145770.3); c.-36+8A>T (NM_001370433.1, NM_001370432.1, NM_001370439.1 and 1 more transcripts); c.-154+263A>T (NM_001290142.2, NM_001370428.1, NM_001370436.1); c.-636+263A>T (NM_001370451.1); c.-36+263A>T (NM_001370430.1, NM_001370438.1); c.-518+263A>T (NM_001290143.2); c.-36+283A>T (NM_001370435.1); c.-158+8A>T (NM_001370431.1, NM_001370437.1); and 2 more.
Identifiers: ClinVar variation 668218 (VCV000668218.3), dbSNP rs1596857178, ClinGen allele CA915949281.
Genomic context (GRCh38, chr16:57,620,144, plus strand): 5'-GAGGAGCAGGCCACACAGGCACAGGCCGGTGAGGGACCTGCCCAGACCTGGAGGTAAGAG[A>T]CGGGTGGGGGACAGGGGTGGGAAAGATAAGTAGGGTGCCACTGCCAGCCTGTCCCCCTTG-3'

ClinVar aggregate classification (germline): Likely benign (1 of 4 stars; one submission).

Submission:

GeneDx
Classification: Likely benign. Last evaluated: 2018-05-10. Review status: criteria provided, single submitter. Criteria: GeneDx Variant Classification (06012015). Collection method: clinical testing. Allele origin: germline. Affected: yes.
Comment: This variant is considered likely benign or benign based on one or more of the following criteria: it is a conservative change, it occurs at a poorly conserved position in the protein, it is predicted to be benign by multiple in silico algorithms, and/or has population frequency not consistent with disease.